The following is an entry in ClinVar:

NM_003835.4(RGS9):c.1462A>G (p.Met488Val)

Gene: RGS9 (regulator of G protein signaling 9; plus strand). Cytogenetic location: 17q24.1.
Variant type: single nucleotide variant.
Coding change: c.1462A>G on transcript NM_003835.4 (MANE Select); coding-DNA position 1462, A replaced by G.
Protein change: p.Met488Val; replaces methionine 488 with valine.
Molecular consequence: missense variant.
Genome position (GRCh38, 1-based): chr17:65,225,056, A>G. VCF-style: chr17-65225056-A-G. GRCh37 (hg19) VCF-style: chr17-63221174-A-G.
Other names: c.1453A>G, p.Met485Val (NM_001081955.3); short protein forms M485V, M488V.
Identifiers: ClinVar variation 2094672 (VCV002094672.4), dbSNP rs186222403, ClinGen allele CA400673328.

ClinVar aggregate classification (germline): Uncertain significance (1 of 4 stars; one submission).

Allele frequency attached by ClinVar (database versions not stated): gnomAD exomes below 0.00001.
gnomAD v4.1: 2 of 1,613,668 alleles (0.00012%); highest among the groups gnomAD compares: Middle Eastern, 0.016%; no homozygotes.

Submission:

Labcorp Genetics (formerly Invitae), Labcorp
Classification: Uncertain significance. Last evaluated: 2022-02-08. Review status: criteria provided, single submitter. Criteria: Invitae Variant Classification Sherloc (09022015). Collection method: clinical testing. Allele origin: germline.
Comment: In summary, the available evidence is currently insufficient to determine the role of this variant in disease. Therefore, it has been classified as a Variant of Uncertain Significance. Algorithms developed to predict the effect of missense changes on protein structure and function output the following: SIFT: "Tolerated"; PolyPhen-2: "Benign"; Align-GVGD: "Class C0". The valine amino acid residue is found in multiple mammalian species, which suggests that this missense change does not adversely affect protein function. This variant has not been reported in the literature in individuals affected with RGS9-related conditions. This variant is present in population databases (no rsID available, gnomAD 0.01%). This sequence change replaces methionine, which is neutral and non-polar, with valine, which is neutral and non-polar, at codon 488 of the RGS9 protein (p.Met488Val).